The following is an entry in ClinVar:

ClinVar aggregate classification (germline): Uncertain significance (1 of 4 stars; one submission).

Conditions:
Cataract 1 multiple types. Also called: CATARACT, DUFFY-LINKED; CATARACT 1, MULTIPLE TYPES, WITH OR WITHOUT MICROCORNEA; CATARACT 1, NUCLEAR PROGRESSIVE; CATARACT 1 WITH MICROCORNEA; CATARACT 1, POSTERIOR SUBCAPSULAR, WITH MICROCORNEA; CATARACT 1, STELLATE NUCLEAR, WITH MICROCORNEA. Identifiers: Orphanet 1377, MedGen C1861828, MONDO:0007285, OMIM 116200.

Submission:

Labcorp Genetics (formerly Invitae), Labcorp
Classification: Uncertain significance for Cataract 1 multiple types. Last evaluated: 2026-01-19. Review status: criteria provided, single submitter. Criteria: Invitae Variant Classification Sherloc (09022015). Collection method: clinical testing. Allele origin: germline.
Comment: This sequence change replaces glycine, which is neutral and non-polar, with cysteine, which is neutral and slightly polar, at codon 381 of the GJA8 protein (p.Gly381Cys). This variant is not present in population databases (gnomAD no frequency). This variant has not been reported in the literature in individuals affected with GJA8-related conditions. Invitae Evidence Modeling of protein sequence and biophysical properties (such as structural, functional, and spatial information, amino acid conservation, physicochemical variation, residue mobility, and thermodynamic stability) indicates that this missense variant is not expected to disrupt GJA8 protein function with a negative predictive value of 95%. In summary, the available evidence is currently insufficient to determine the role of this variant in disease. Therefore, it has been classified as a Variant of Uncertain Significance.

NM_005267.5(GJA8):c.1141G>T (p.Gly381Cys)

Gene: GJA8 (gap junction protein alpha 8; plus strand). Cytogenetic location: 1q21.2.
Variant type: single nucleotide variant.
Coding change: c.1141G>T on transcript NM_005267.5 (MANE Select); coding-DNA position 1141, G replaced by T.
Protein change: p.Gly381Cys; replaces glycine 381 with cysteine.
Molecular consequence: missense variant.
Genome position (GRCh38, 1-based): chr1:147,909,096, G>T. VCF-style: chr1-147909096-G-T. GRCh37 (hg19) VCF-style: chr1-147381223-G-T.
Other names: short protein forms G381C.
Identifiers: ClinVar variation 4739725 (VCV004739725.1).
Genomic context (GRCh38, chr1:147,909,096, plus strand): 5'-CAGGAGAAGGTGGCCGTGCCAGAGGGGGAGAAAGTAGAGACCCCCGGAGTGGATAAGGAG[G>T]GTGAAAAAGAAGAGCCGCAGTCGGAGAAGGTGTCAAAGCAAGGGCTGCCAGCTGAGAAGA-3'
Protein context (NP_005258.2, residues 371-391): KVETPGVDKE[Gly381Cys]EKEEPQSEKV